The following is an entry in ClinVar:

NM_000642.3(AGL):c.846+1G>A

Gene: AGL (amylo-alpha-1,6-glucosidase and 4-alpha-glucanotransferase; plus strand). Cytogenetic location: 1p21.2.
Variant type: single nucleotide variant.
Coding change: c.846+1G>A on transcript NM_000642.3 (MANE Select); the canonical splice donor site of the intron after coding-DNA position 846, G replaced by A.
Molecular consequence: splice donor variant.
Genome position (GRCh38, 1-based): chr1:99,870,582, G>A. VCF-style: chr1-99870582-G-A. GRCh37 (hg19) VCF-style: chr1-100336138-G-A.
Other names: c.846+1G>A (NM_000643.3, NM_000644.3, NM_001425326.1 and 3 more transcripts); c.798+1G>A (NM_000646.3); c.642+1G>A (NM_001425328.1, NM_001425329.1); c.468+1G>A (NM_001425332.1).
Identifiers: ClinVar variation 4725074 (VCV004725074.1).
Genomic context (GRCh38, chr1:99,870,582, plus strand): 5'-GAAGGGAAATACAAAGAAAAGGGAATACCTGCTTTGATTGAAAATGATCACCATATGAAT[G>A]TCAGTATGTACAGAGGAGTATCACACTAAAACAGAAAAAATTTCTAAAGCACACATTAAA-3'

ClinVar aggregate classification (germline): Likely pathogenic (1 of 4 stars; one submission).

Conditions:
Glycogen storage disease type III (GSD3). Also called: FORBES DISEASE; Cori disease. Identifiers: Orphanet 366, MedGen C0017922, MONDO:0009291, OMIM 232400.

Submission:

Labcorp Genetics (formerly Invitae), Labcorp
Classification: Likely pathogenic for Glycogen storage disease type III. Last evaluated: 2025-08-09. Review status: criteria provided, single submitter. Criteria: Invitae Variant Classification Sherloc (09022015). Collection method: clinical testing. Allele origin: germline.
Comment: This sequence change affects a donor splice site in intron 6 of the AGL gene. It is expected to disrupt RNA splicing. Variants that disrupt the donor or acceptor splice site typically lead to a loss of protein function (PMID: 16199547), and loss-of-function variants in AGL are known to be pathogenic (PMID: 19299494). This variant is not present in population databases (gnomAD no frequency). This variant has not been reported in the literature in individuals affected with AGL-related conditions. Algorithms developed to predict the effect of sequence changes on RNA splicing suggest that this variant may disrupt the consensus splice site. In summary, the currently available evidence indicates that the variant is pathogenic, but additional data are needed to prove that conclusively. Therefore, this variant has been classified as Likely Pathogenic.

Literature cited by the submitters: PubMed 16199547; PubMed 19299494.